The following is an entry in ClinVar:

ClinVar aggregate classification (germline): Uncertain significance. Review status: criteria provided, multiple submitters, no conflicts (2 of 4 stars). 2 submissions from 2 submitters: Uncertain significance (2). Last evaluated 2023-10-26.

Conditions:
Renal carnitine transport defect (CDSP). Also called: Systemic primary carnitine deficiency disease; CARNITINE DEFICIENCY, SYSTEMIC, DUE TO DEFECT IN RENAL REABSORPTION OF CARNITINE; CARNITINE TRANSPORTER, PLASMA-MEMBRANE, DEFICIENCY OF; CARNITINE UPTAKE DEFECT; Primary carnitine deficiency; Systemic primary carnitine deficiency. Identifiers: Orphanet 158, MedGen C0342788, MONDO:0008919, OMIM 212140.

Allele frequency attached by ClinVar (database versions not stated): gnomAD exomes below 0.00001.
gnomAD v4.1: 2 of 1,611,100 alleles (0.00012%); highest among the groups gnomAD compares: Admixed American, 0.0033%; no homozygotes.

Submissions (2):

Mayo Clinic Laboratories, Mayo Clinic
Classification: Uncertain significance. Last evaluated: 2023-10-26. Review status: criteria provided, single submitter. Criteria: ACMG Guidelines, 2015. Collection method: clinical testing. Allele origin: germline. Observed: 1 variant allele.
Comment: PM2

Labcorp Genetics (formerly Invitae), Labcorp
Classification: Uncertain significance for Renal carnitine transport defect. Last evaluated: 2022-08-15. Review status: criteria provided, single submitter. Criteria: Invitae Variant Classification Sherloc (09022015). Collection method: clinical testing. Allele origin: germline.
Comment: In summary, the available evidence is currently insufficient to determine the role of this variant in disease. Therefore, it has been classified as a Variant of Uncertain Significance. Algorithms developed to predict the effect of sequence changes on RNA splicing suggest that this variant may create or strengthen a splice site. Algorithms developed to predict the effect of missense changes on protein structure and function (SIFT, PolyPhen-2, Align-GVGD) all suggest that this variant is likely to be tolerated. This variant has not been reported in the literature in individuals affected with SLC22A5-related conditions. The frequency data for this variant in the population databases is considered unreliable, as metrics indicate poor data quality at this position in the gnomAD database. This sequence change replaces arginine, which is basic and polar, with glutamine, which is neutral and polar, at codon 51 of the SLC22A5 protein (p.Arg51Gln).

NM_003060.4(SLC22A5):c.152G>A (p.Arg51Gln)

Gene: SLC22A5 (solute carrier family 22 member 5; plus strand). Cytogenetic location: 5q31.1.
Variant type: single nucleotide variant.
Coding change: c.152G>A on transcript NM_003060.4 (MANE Select); coding-DNA position 152, G replaced by A.
Protein change: p.Arg51Gln; replaces arginine 51 with glutamine.
Molecular consequence: missense variant.
Genome position (GRCh38, 1-based): chr5:132,370,124, G>A. VCF-style: chr5-132370124-G-A. GRCh37 (hg19) VCF-style: chr5-131705816-G-A.
Other names: p.Arg51Gln; c.152G>A, p.Arg51Gln (NM_001308122.2); short protein forms R51Q.
Identifiers: ClinVar variation 2420022 (VCV002420022.4), dbSNP rs1412128597, ClinGen allele CA360802480.
Genomic context (GRCh38, chr5:132,370,124, plus strand): 5'-CCAATGGCTTCACCGGCCTGTCCTCCGTGTTCCTGATAGCGACCCCGGAGCACCGCTGCC[G>A]GGTGCCGGACGCCGCGAACCTGAGCAGCGCCTGGCGCAACCACACTGTCCCACTGCGGCT-3'
Protein context (NP_003051.1, residues 41-61): FLIATPEHRC[Arg51Gln]VPDAANLSSA